The following is an entry in ClinVar:

NM_000135.4(FANCA):c.4105G>A (p.Val1369Met)

Genes: FANCA (FA complementation group A; minus strand), ZNF276 (zinc finger protein 276; plus strand). Cytogenetic location: 16q24.3.
Variant type: single nucleotide variant.
Coding change: c.4105G>A on transcript NM_000135.4 (MANE Select); coding-DNA position 4105, G replaced by A.
Protein change: p.Val1369Met; replaces valine 1369 with methionine.
Molecular consequence: missense variant. On other transcripts: 3 prime UTR variant (2), non-coding transcript variant (4).
Genome position (GRCh38, 1-based): chr16:89,739,195, C>T on the plus strand (G>A on the coding strand, the complement: FANCA is on the minus strand). VCF-style: chr16-89739195-C-T. GRCh37 (hg19) VCF-style: chr16-89805603-C-T.
Other names: p.Val1369Met; c.4105G>A (NM_000135.3); c.4105G>A, p.Val1369Met (NM_001286167.3); c.*949C>T (NM_001113525.2, NM_152287.4); short protein forms V1369M.
Identifiers: ClinVar variation 1018645 (VCV001018645.8), dbSNP rs201225325, ClinGen allele CA8250784.

ClinVar aggregate classification (germline): Uncertain significance. Review status: criteria provided, multiple submitters, no conflicts (2 of 4 stars). 4 submissions from 4 submitters: Uncertain significance (3). 1 of the submissions does not count toward it. Last evaluated 2025-01-22.

Conditions:
Fanconi anemia (FA). Also called: Fanconi's anemia. Identifiers: Orphanet 84, MedGen C0015625, MeSH D005199, MONDO:0019391.

Allele frequency attached by ClinVar (database versions not stated): TOPMed 0.00003.
gnomAD v4.1: 38 of 1,614,054 alleles (0.0024%); highest among the groups gnomAD compares: African/African-American, 0.0053%; no homozygotes.

Submissions (4):

Labcorp Genetics (formerly Invitae), Labcorp
Classification: Uncertain significance for Fanconi anemia. Last evaluated: 2025-01-22. Review status: criteria provided, single submitter. Criteria: Invitae Variant Classification Sherloc (09022015). Collection method: clinical testing. Allele origin: germline.
Comment: This sequence change replaces valine, which is neutral and non-polar, with methionine, which is neutral and non-polar, at codon 1369 of the FANCA protein (p.Val1369Met). This variant is present in population databases (rs201225325, gnomAD 0.006%). This missense change has been observed in individual(s) with FANCA-related conditions (PMID: 26580448, 28767289). ClinVar contains an entry for this variant (Variation ID: 1018645). Invitae Evidence Modeling of protein sequence and biophysical properties (such as structural, functional, and spatial information, amino acid conservation, physicochemical variation, residue mobility, and thermodynamic stability) indicates that this missense variant is not expected to disrupt FANCA protein function with a negative predictive value of 95%. In summary, the available evidence is currently insufficient to determine the role of this variant in disease. Therefore, it has been classified as a Variant of Uncertain Significance.

Quest Diagnostics Nichols Institute San Juan Capistrano
Classification: Uncertain significance. Last evaluated: 2023-07-07. Review status: criteria provided, single submitter. Criteria: Quest Diagnostics criteria. Collection method: clinical testing. Allele origin: unknown.
Comment: In the published literature, this variant has been reported in individuals affected with a high grade glioma (PMID: 26580448 (2015)) and pancreatic neuroendocrine tumor (PMID: 28767289 (2017)). The frequency of this variant in the general population, 0.000008 (2/250990 chromosomes (Genome Aggregation Database)), is uninformative in the assessment of its pathogenicity. Analysis of this variant using bioinformatics tools for the prediction of the effect of amino acid changes on protein structure and function yielded predictions that this variant is benign. Based on the available information, we are unable to determine the clinical significance of this variant.

Mayo Clinic Laboratories, Mayo Clinic
Classification: Uncertain significance. Last evaluated: 2022-12-13. Review status: criteria provided, single submitter. Criteria: ACMG Guidelines, 2015. Collection method: clinical testing. Allele origin: germline. Observed: 1 variant allele.

Natera, Inc.
Classification: Uncertain significance for Fanconi anemia. Last evaluated: 2020-01-20. Review status: no assertion criteria provided. Collection method: clinical testing. Allele origin: germline. Not counted in ClinVar's aggregate classification.

Literature cited by the submitters: PubMed 26580448 (cited by Labcorp Genetics (formerly Invitae), Labcorp and Quest Diagnostics Nichols Institute San Juan Capistrano); PubMed 28767289 (cited by Labcorp Genetics (formerly Invitae), Labcorp and Quest Diagnostics Nichols Institute San Juan Capistrano); PubMed 37349538 (cited by Quest Diagnostics Nichols Institute San Juan Capistrano); PubMed 31613886 (cited by Quest Diagnostics Nichols Institute San Juan Capistrano).